The following is an entry in ClinVar:

ClinVar aggregate classification (germline): Uncertain significance (1 of 4 stars; one submission).

Conditions:
Candidiasis, familial, 8 (CANDF8). Identifiers: Orphanet 1334, MedGen C3714992, MONDO:0014230, OMIM 615527.

gnomAD v4.1: 7 of 1,596,388 alleles (0.00044%); highest among the groups gnomAD compares: Non-Finnish European, 0.0006%; no homozygotes.

Submission:

Labcorp Genetics (formerly Invitae), Labcorp
Classification: Uncertain significance for Candidiasis, familial, 8. Last evaluated: 2024-08-12. Review status: criteria provided, single submitter. Criteria: Invitae Variant Classification Sherloc (09022015). Collection method: clinical testing. Allele origin: germline.
Comment: This sequence change replaces isoleucine, which is neutral and non-polar, with valine, which is neutral and non-polar, at codon 209 of the TRAF3IP2 protein (p.Ile209Val). This variant is not present in population databases (gnomAD no frequency). This variant has not been reported in the literature in individuals affected with TRAF3IP2-related conditions. Advanced modeling of protein sequence and biophysical properties (such as structural, functional, and spatial information, amino acid conservation, physicochemical variation, residue mobility, and thermodynamic stability) performed at Invitae indicates that this missense variant is not expected to disrupt TRAF3IP2 protein function with a negative predictive value of 80%. In summary, the available evidence is currently insufficient to determine the role of this variant in disease. Therefore, it has been classified as a Variant of Uncertain Significance.

NM_147686.4(TRAF3IP2):c.625A>G (p.Ile209Val)

Genes: TRAF3IP2 (TRAF3 interacting protein 2; minus strand), TRAF3IP2-AS1 (TRAF3IP2 antisense RNA 1; plus strand), LOC114803478 (TRAF3IP2 eExon liver enhancer; plus strand). Cytogenetic location: 6q21.
Variant type: single nucleotide variant.
Coding change: c.625A>G on transcript NM_147686.4 (MANE Select); coding-DNA position 625, A replaced by G.
Protein change: p.Ile209Val; replaces isoleucine 209 with valine.
Molecular consequence: missense variant.
Genome position (GRCh38, 1-based): chr6:111,591,462, T>C on the plus strand (A>G on the coding strand, the complement: TRAF3IP2 is on the minus strand). VCF-style: chr6-111591462-T-C. GRCh37 (hg19) VCF-style: chr6-111912665-T-C.
Other names: c.625A>G, p.Ile209Val (NM_001164281.3); c.652A>G, p.Ile218Val (NM_147200.3); short protein forms I209V, I218V.
Identifiers: ClinVar variation 3662141 (VCV003662141.2).